The following is an entry in ClinVar:

ClinVar aggregate classification (germline): Uncertain significance (1 of 4 stars; one submission).

Submission:

GeneDx
Classification: Uncertain significance. Last evaluated: 2023-12-15. Review status: criteria provided, single submitter. Criteria: GeneDx Variant Classification Process June 2021. Collection method: clinical testing. Allele origin: germline. Affected: yes.
Comment: Not observed at significant frequency in large population cohorts (gnomAD); In silico analysis supports that this missense variant has a deleterious effect on protein structure/function; Has not been previously published as pathogenic or benign to our knowledge

NM_020971.3(SPTBN4):c.3008T>G (p.Val1003Gly)

Gene: SPTBN4 (spectrin beta, non-erythrocytic 4; plus strand). Cytogenetic location: 19q13.2.
Variant type: single nucleotide variant.
Coding change: c.3008T>G on transcript NM_020971.3 (MANE Select); coding-DNA position 3008, T replaced by G.
Protein change: p.Val1003Gly; replaces valine 1003 with glycine.
Molecular consequence: missense variant.
Genome position (GRCh38, 1-based): chr19:40,519,505, T>G. VCF-style: chr19-40519505-T-G. GRCh37 (hg19) VCF-style: chr19-41025412-T-G.
Other names: short protein forms V1003G.
Identifiers: ClinVar variation 3365851 (VCV003365851.1).
Genomic context (GRCh38, chr19:40,519,505, plus strand): 5'-TGAGCGCGGTGCTGCTGGTGGAGAACCACGTGCTGGAGGTGGCCGAGGTGCGCGCCCAGG[T>G]GCGTGAGAAGCGGAGAGCTGTGGAGAGCGCGCCCCGGGCCGGCGGCGCCCTGCAGTGGCG-3'
Protein context (NP_066022.2, residues 993-1013): VLEVAEVRAQ[Val1003Gly]REKRRAVESA